The following is an entry in ClinVar:

ClinVar aggregate classification (germline): Likely pathogenic. Review status: reviewed by expert panel (3 of 4 stars). 2 submissions from 2 submitters: Likely pathogenic (1). 1 of the submissions does not count toward it. Last evaluated 2024-06-17.

Conditions:
Glycogen storage disease, type II (IOPD). Also called: Glycogen storage disease type 2; Acid maltase deficiency disease; Aglucosidase alfa; Deficiency of alpha-glucosidase; Deficiency of lysosomal alpha-glucosidase; Glucosidase acid-1,4-alpha deficiency. Identifiers: Orphanet 365, MedGen C0017921, MONDO:0009290, OMIM 232300.

Submissions (2):

ClinGen Lysosomal Storage Disorder Variant Curation Expert Panel
Classification: Likely pathogenic for Glycogen storage disease, type II. Last evaluated: 2024-06-17. Review status: reviewed by expert panel. Criteria: clingen_lsd_acmg_specifications_v2-1. Collection method: curation. Allele origin: germline. Inheritance: Autosomal recessive inheritance.
Comment: The NM_000152.5:c.457_465del variant in GAA is predicted to cause a change in the length of the protein (p.Arg154_Thr156del) due to an in-frame deletion of 3 amino acids in a non-repeat region (PM4). One patient with this variant and a diagnosis of Pompe disease has been reported with decreased enzyme activity and treated by enzyme replacement therapy (PMID: 18757064, 23013746) (PP4). This individual is compound heterozygous for the variant and a pathogenic variant in GAA, c.-32-13T>G, phase unknown (PMID: 18757064, 23013746) PM3_Supporting. Computational evidence is conflicting; the PROVEAN score is -11.8 (meeting the threshold of <-2.5 for deleterious), and Mutation Taster predicts that this variant is a ”polymorphism”. Therefore, neither PP3 nor BP4 is met. When expressed in cultured cells, this variant results in 0.5% wild type GAA activity and is abnormally synthesized and processed (PMID 22644586) (PS3_Moderate). In summary, this variant meets the criteria to be classified as likely pathogenic for Pompe disease. GAA-specific ACMG/AMP criteria applied, as specified by the ClinGen Lysosomal Diseases VCEP (Specifications Version 2.0): PM4, PS3_Moderate, PM2_Supporting, PM3_Supporting. (Classification approved by the ClinGen Lysosomal Diseases VCEP on June 17, 2024)

Genomenon, Inc
Classification: Likely pathogenic for Glycogen storage disease, type II. Last evaluated: 2026-07-01. Review status: criteria provided, single submitter. Criteria: Genomenon Sequence Variant Interpretation Standards - Updated. Collection method: curation. Allele origin: germline. Affected: yes. Not counted in ClinVar's aggregate classification.
Comment: GAA p.Arg154_Thr156del (c.461_469del) is an in-frame deletion that results in the loss of multiple amino acids, from Arginine at codon 154 to Threonine at codon 156. This variant has been observed in at least one proband with a GAA-related disorder in the compound heterozygous and/or homozygous state (PMID:18757064;18425781). At least one functional study has demonstrated a substantial alteration in protein function relative to the wild-type (PMID:22644586). It is absent or not present at a significant frequency in gnomAD. In conclusion, we classify GAA p.Arg154_Thr156del (c.461_469del) as a likely pathogenic variant.

Literature cited by the submitters: PubMed 18757064 (cited by Genomenon, Inc); PubMed 18425781 (cited by Genomenon, Inc); PubMed 22644586 (cited by Genomenon, Inc).

NM_000152.5(GAA):c.461_469del (p.Arg154_Thr156del)

Gene: GAA (alpha glucosidase; plus strand). Cytogenetic location: 17q25.3.
Variant type: Deletion.
Coding change: c.461_469del on transcript NM_000152.5 (MANE Select); coding-DNA positions 461 to 469, 9 bases deleted (GTACCACCC; older notation c.461_469delGTACCACCC).
Protein change: p.Arg154_Thr156del.
Molecular consequence: inframe deletion.
Genome position (GRCh38, 1-based): chr17:80,105,047-80,105,055, GTACCACCC deleted; deleting any 9 consecutive bases within chr17:80,105,043-80,105,055 gives the same sequence; the c. name uses the placement nearest the transcript's 3' end. VCF-style (leftmost placement, unchanged base first): chr17-80105042-GACCCGTACC-G. GRCh37 (hg19) VCF-style: chr17-78078841-GACCCGTACC-G.
Other names: c.461_469del, p.Arg154_Thr156del (NM_001079803.3, NM_001079804.3).
Identifiers: ClinVar variation 932902 (VCV000932902.5), dbSNP rs2039044722, ClinGen allele CA658795229.
Genomic context (GRCh38, chr17:80,105,042, plus strand): 5'-CTACCCCAGCTACAAGCTGGAGAACCTGAGCTCCTCTGAAATGGGCTACACGGCCACCCT[GACCCGTACC>G]ACCCCCACCTTCTTCCCCAAGGACATCCTGACCCTGCGGCTGGACGTGATGATGGAGACT-3'